The following is an entry in ClinVar:

ClinVar aggregate classification (germline): Uncertain significance (1 of 4 stars; one submission).

Submission:

Labcorp Genetics (formerly Invitae), Labcorp
Classification: Uncertain significance. Last evaluated: 2022-06-09. Review status: criteria provided, single submitter. Criteria: Invitae Variant Classification Sherloc (09022015). Collection method: clinical testing. Allele origin: germline.
Comment: In summary, the available evidence is currently insufficient to determine the role of this variant in disease. Therefore, it has been classified as a Variant of Uncertain Significance. Algorithms developed to predict the effect of missense changes on protein structure and function (SIFT, PolyPhen-2, Align-GVGD) all suggest that this variant is likely to be disruptive. This variant has not been reported in the literature in individuals affected with POLR3B-related conditions. This variant is not present in population databases (gnomAD no frequency). This sequence change replaces arginine, which is basic and polar, with glycine, which is neutral and non-polar, at codon 591 of the POLR3B protein (p.Arg591Gly).

NM_018082.6(POLR3B):c.1771A>G (p.Arg591Gly)

Gene: POLR3B (RNA polymerase III subunit B; plus strand). Cytogenetic location: 12q23.3.
Variant type: single nucleotide variant.
Coding change: c.1771A>G on transcript NM_018082.6 (MANE Select); coding-DNA position 1771, A replaced by G.
Protein change: p.Arg591Gly; replaces arginine 591 with glycine.
Molecular consequence: missense variant.
Genome position (GRCh38, 1-based): chr12:106,433,862, A>G. VCF-style: chr12-106433862-A-G. GRCh37 (hg19) VCF-style: chr12-106827640-A-G.
Other names: c.1597A>G, p.Arg533Gly (NM_001160708.2); short protein forms R533G, R591G.
Identifiers: ClinVar variation 1471715 (VCV001471715.6), dbSNP rs2137005378, ClinGen allele CA386390333.
Genomic context (GRCh38, chr12:106,433,862, plus strand): 5'-TTTGTTTCCATCTCAACAAATCTTACAGATCGATGTGTCTATATTTCTTCTGATGGGGGA[A>G]GGCTATGCAGGTATATATGCAGGTTACTAAAAAGAGTTTTTAAGAATCTCTTTATATTTG-3'
Protein context (NP_060552.4, residues 581-601): RCVYISSDGG[Arg591Gly]LCRPYIIVKK